The following is an entry in ClinVar:

NM_001005242.3(PKP2):c.101C>G (p.Ser34Cys)

Gene: PKP2 (plakophilin 2; minus strand). Cytogenetic location: 12p11.21.
Variant type: single nucleotide variant.
Coding change: c.101C>G on transcript NM_001005242.3 (MANE Select); coding-DNA position 101, C replaced by G.
Protein change: p.Ser34Cys; replaces serine 34 with cysteine.
Molecular consequence: missense variant.
Genome position (GRCh38, 1-based): chr12:32,896,631, G>C on the plus strand (C>G on the coding strand, the complement: PKP2 is on the minus strand). VCF-style: chr12-32896631-G-C. GRCh37 (hg19) VCF-style: chr12-33049565-G-C.
Other names: c.101C>G, p.Ser34Cys (NM_004572.4); short protein forms S34C.
Identifiers: ClinVar variation 920867 (VCV000920867.15), dbSNP rs1957128054, ClinGen allele CA384371424.

ClinVar aggregate classification (germline): Uncertain significance. Review status: criteria provided, multiple submitters, no conflicts (2 of 4 stars). 4 submissions from 4 submitters: Uncertain significance (4). Last evaluated 2024-04-10.

Conditions:
Cardiovascular phenotype. Identifiers: MedGen CN230736.
Arrhythmogenic right ventricular cardiomyopathy (ARVD). Also called: Arrhythmogenic cardiomyopathy; Cardiomyopathy, ARVC; Arrhythmogenic right ventricular dysplasia; Arrhythmogenic Right Ventricular Cardiomyopathy (ARVC). Identifiers: Orphanet 247, MedGen C0349788, MeSH D019571, MONDO:0016587. Disease mechanism: loss of function. Inheritance: Various modes of inheritance.
Cardiomyopathy (CMYO). Also called: Cardiomyopathies. Identifiers: Orphanet 167848, MedGen C0878544, MONDO:0004994, HP:0001638. Inheritance: Various modes of inheritance.
Arrhythmogenic right ventricular dysplasia 9 (ARVD9). Also called: Arrhythmogenic Right Ventricular Dysplasia/Cardiomyopathy 9; ARRHYTHMOGENIC RIGHT VENTRICULAR DYSPLASIA, FAMILIAL, 9. Identifiers: MedGen C1836906, MONDO:0012180, OMIM 609040.

Allele frequency attached by ClinVar (database versions not stated): TOPMed below 0.00001; gnomAD exomes 0.00001.
gnomAD v4.1: 19 of 1,579,772 alleles (0.0012%); highest among the groups gnomAD compares: Non-Finnish European, 0.0016%; no homozygotes.

Submissions (4):

All of Us Research Program, National Institutes of Health
Classification: Uncertain significance for Arrhythmogenic right ventricular cardiomyopathy. Last evaluated: 2024-04-10. Review status: criteria provided, single submitter. Criteria: ACMG Guidelines, 2015. Collection method: clinical testing. Allele origin: germline. Inheritance: Autosomal dominant inheritance. Observed: 1 variant allele, 1 heterozygote.
Comment: This missense variant replaces serine with cysteine at codon 34 of the PKP2 protein. Computational prediction is inconclusive regarding the impact of this variant on protein structure and function (internally defined REVEL score threshold 0.5 < inconclusive < 0.7, PMID: 27666373). To our knowledge, functional studies have not been reported for this variant. This variant has not been reported in individuals affected with cardiovascular disorders in the literature. This variant has not been identified in the general population by the Genome Aggregation Database (gnomAD). The available evidence is insufficient to determine the role of this variant in disease conclusively. Therefore, this variant is classified as a Variant of Uncertain Significance.

This study involves interpretation of variants in research participants for the purpose of population health screening. Participant phenotype was not available at the time of variant classification. Additional details can be found in publication PMID: 35346344, PMCID: PMC8962531

Color Diagnostics, LLC DBA Color Health
Classification: Uncertain significance for Cardiomyopathy. Last evaluated: 2024-03-06. Review status: criteria provided, single submitter. Criteria: ACMG Guidelines, 2015. Collection method: clinical testing. Allele origin: germline.
Comment: This missense variant replaces serine with cysteine at codon 34 of the PKP2 protein. Computational prediction is inconclusive regarding the impact of this variant on protein structure and function (internally defined REVEL score threshold 0.5 < inconclusive < 0.7, PMID: 27666373). To our knowledge, functional studies have not been reported for this variant. This variant has not been reported in individuals affected with cardiovascular disorders in the literature. This variant has not been identified in the general population by the Genome Aggregation Database (gnomAD). The available evidence is insufficient to determine the role of this variant in disease conclusively. Therefore, this variant is classified as a Variant of Uncertain Significance.

Ambry Genetics
Classification: Uncertain significance for Cardiovascular phenotype. Last evaluated: 2021-08-22. Review status: criteria provided, single submitter. Criteria: Ambry Variant Classification Scheme 2023. Collection method: clinical testing. Allele origin: germline.
Comment: The p.S34C variant (also known as c.101C>G), located in coding exon 1 of the PKP2 gene, results from a C to G substitution at nucleotide position 101. The serine at codon 34 is replaced by cysteine, an amino acid with dissimilar properties. This amino acid position is conserved. In addition, the in silico prediction for this alteration is inconclusive. Since supporting evidence is limited at this time, the clinical significance of this alteration remains unclear.

Labcorp Genetics (formerly Invitae), Labcorp
Classification: Uncertain significance for Arrhythmogenic right ventricular dysplasia 9. Last evaluated: 2021-04-09. Review status: criteria provided, single submitter. Criteria: Invitae Variant Classification Sherloc (09022015). Collection method: clinical testing. Allele origin: germline.
Comment: Algorithms developed to predict the effect of missense changes on protein structure and function are either unavailable or do not agree on the potential impact of this missense change (SIFT: "Tolerated"; PolyPhen-2: "Probably Damaging"; Align-GVGD: "Class C0"). This variant has not been reported in the literature in individuals with PKP2-related conditions. ClinVar contains an entry for this variant (Variation ID: 920867). This variant is not present in population databases (ExAC no frequency). This sequence change replaces serine with cysteine at codon 34 of the PKP2 protein (p.Ser34Cys). The serine residue is moderately conserved and there is a moderate physicochemical difference between serine and cysteine. In summary, the available evidence is currently insufficient to determine the role of this variant in disease. Therefore, it has been classified as a Variant of Uncertain Significance.